The following is an entry in ClinVar:

ClinVar aggregate classification (germline): Uncertain significance (1 of 4 stars; one submission).

Allele frequency attached by ClinVar (database versions not stated): gnomAD exomes 0.00001; TOPMed 0.00002; gnomAD 0.00001; ESP Exome Variant Server 0.00008.
gnomAD v4.1: 23 of 1,613,216 alleles (0.0014%); highest among the groups gnomAD compares: East Asian, 0.0022%; no homozygotes.

Submission:

Labcorp Genetics (formerly Invitae), Labcorp
Classification: Uncertain significance. Last evaluated: 2025-04-16. Review status: criteria provided, single submitter. Criteria: Invitae Variant Classification Sherloc (09022015). Collection method: clinical testing. Allele origin: germline.
Comment: This sequence change replaces isoleucine, which is neutral and non-polar, with valine, which is neutral and non-polar, at codon 701 of the MPDZ protein (p.Ile701Val). This variant is not present in population databases (gnomAD no frequency). This variant has not been reported in the literature in individuals affected with MPDZ-related conditions. ClinVar contains an entry for this variant (Variation ID: 2996712). An algorithm developed to predict the effect of missense changes on protein structure and function (PolyPhen-2) suggests that this variant is likely to be tolerated. In summary, the available evidence is currently insufficient to determine the role of this variant in disease. Therefore, it has been classified as a Variant of Uncertain Significance.

NM_001378778.1(MPDZ):c.2101A>G (p.Ile701Val)

Gene: MPDZ (multiple PDZ domain crumbs cell polarity complex component; minus strand). Cytogenetic location: 9p23.
Variant type: single nucleotide variant.
Coding change: c.2101A>G on transcript NM_001378778.1 (MANE Select); coding-DNA position 2101, A replaced by G.
Protein change: p.Ile701Val; replaces isoleucine 701 with valine.
Molecular consequence: missense variant.
Genome position (GRCh38, 1-based): chr9:13,190,167, T>C on the plus strand (A>G on the coding strand, the complement: MPDZ is on the minus strand). VCF-style: chr9-13190167-T-C. GRCh37 (hg19) VCF-style: chr9-13190166-T-C.
Other names: c.2101A>G, p.Ile701Val (NM_001261406.2, NM_001261407.2, NM_001330637.2 and 14 more transcripts); short protein forms I701V.
Identifiers: ClinVar variation 2996712 (VCV002996712.3), dbSNP rs369475175, ClinGen allele CA189285221.